The following is an entry in ClinVar:

ClinVar aggregate classification (germline): Conflicting classifications of pathogenicity. Review status: criteria provided, conflicting classifications (1 of 4 stars). 4 submissions from 4 submitters: Uncertain significance (2); Likely benign (2). Last evaluated 2025-06-11.

Conditions:
TNF receptor-associated periodic fever syndrome (TRAPS) (FPF). Also called: TNF receptor 1-associated periodic fever syndrome; TNF Receptor-Associated Periodic Fever Syndrome; FAMILIAL HIBERNIAN FEVER; TNF RECEPTOR-ASSOCIATED PERIODIC SYNDROME; TUMOR NECROSIS FACTOR RECEPTOR-ASSOCIATED PERIODIC SYNDROME; Autosomal Dominant Familial Periodic Fever. Identifiers: Orphanet 32960, MedGen C1275126, MONDO:0007727, OMIM 142680.
TNFRSF1A-related disorder. Also called: TNFRSF1A-related condition.

Allele frequency attached by ClinVar (database versions not stated): TOPMed 0.00003; gnomAD exomes 0.00004; gnomAD 0.00006; ExAC 0.00012.

Submissions (4):

Labcorp Genetics (formerly Invitae), Labcorp
Classification: Likely benign for TNF receptor-associated periodic fever syndrome (TRAPS). Last evaluated: 2025-06-11. Review status: criteria provided, single submitter. Criteria: Invitae Variant Classification Sherloc (09022015). Collection method: clinical testing. Allele origin: germline.

PreventionGenetics, part of Exact Sciences
Classification: Uncertain significance for TNFRSF1A-related condition. Last evaluated: 2025-01-02. Review status: criteria provided, single submitter. Criteria: ACMG Guidelines, 2015. Collection method: clinical testing. Allele origin: germline.
Comment: The TNFRSF1A c.255G>C variant is predicted to result in the amino acid substitution p.Glu85Asp. This variant has been reported in an individual with a clinical presentation of macrophage activation syndrome (Horneff et al. 2013. PubMed ID: 24064022). This variant is reported in 0.022% of alleles in individuals of South Asian descent in gnomAD. At this time, the clinical significance of this variant is uncertain due to the absence of conclusive functional and genetic evidence.

Blueprint Genetics
Classification: Uncertain significance. Last evaluated: 2024-11-15. Review status: criteria provided, single submitter. Criteria: ACMG Guidelines, 2015. Collection method: clinical testing. Allele origin: germline.

Illumina Laboratory Services, Illumina
Classification: Likely benign for TNF receptor-associated periodic fever syndrome (TRAPS). Last evaluated: 2017-04-28. Review status: criteria provided, single submitter. Criteria: ICSL Variant Classification Criteria 13 December 2019. Collection method: clinical testing. Allele origin: germline.
Comment: This variant was observed as part of a predisposition screen in an ostensibly healthy population. A literature search was performed for the gene, cDNA change, and amino acid change (where applicable). Publications were found based on this search. The evidence from the literature, in combination with allele frequency data from public databases where available, was sufficient to determine this variant is unlikely to cause disease. Therefore, this variant is classified as likely benign.

Literature cited by the submitters: PubMed 24064022 (cited by Illumina Laboratory Services, Illumina).

NM_001065.4(TNFRSF1A):c.255G>C (p.Glu85Asp)

Gene: TNFRSF1A (TNF receptor superfamily member 1A; minus strand). Cytogenetic location: 12p13.31.
Variant type: single nucleotide variant.
Coding change: c.255G>C on transcript NM_001065.4 (MANE Select); coding-DNA position 255, G replaced by C.
Protein change: p.Glu85Asp; replaces glutamic acid 85 with aspartic acid.
Molecular consequence: missense variant. On other transcripts: 5 prime UTR variant (2), non-coding transcript variant (1).
Genome position (GRCh38, 1-based): chr12:6,333,804, C>G on the plus strand (G>C on the coding strand, the complement: TNFRSF1A is on the minus strand). VCF-style: chr12-6333804-C-G. GRCh37 (hg19) VCF-style: chr12-6442970-C-G.
Other names: c.-70G>C (NM_001346091.2); c.-323G>C (NM_001346092.2); short protein forms E85D.
Identifiers: ClinVar variation 566105 (VCV000566105.15), dbSNP rs770439546, ClinGen allele CA6405583.